The following is an entry in ClinVar:

NM_007192.4(SUPT16H):c.2078G>A (p.Arg693Gln)

Gene: SUPT16H (SPT16 homolog, facilitates chromatin remodeling subunit; minus strand). Cytogenetic location: 14q11.2.
Variant type: single nucleotide variant.
Coding change: c.2078G>A on transcript NM_007192.4 (MANE Select); coding-DNA position 2078, G replaced by A.
Protein change: p.Arg693Gln; replaces arginine 693 with glutamine.
Molecular consequence: missense variant.
Genome position (GRCh38, 1-based): chr14:21,360,512, C>T on the plus strand (G>A on the coding strand, the complement: SUPT16H is on the minus strand). VCF-style: chr14-21360512-C-T. GRCh37 (hg19) VCF-style: chr14-21828671-C-T.
Other names: short protein forms R693Q.
Identifiers: ClinVar variation 1700349 (VCV001700349.2), dbSNP rs1886529007, ClinGen allele CA388863193.

ClinVar aggregate classification (germline): Pathogenic (1 of 4 stars; one submission).

Submission:

GeneDx
Classification: Pathogenic. Last evaluated: 2022-02-02. Review status: criteria provided, single submitter. Criteria: GeneDx Variant Classification Process June 2021. Collection method: clinical testing. Allele origin: germline. Affected: yes.
Comment: Not observed at significant frequency in large population cohorts (gnomAD); In silico analysis supports that this missense variant has a deleterious effect on protein structure/function; This variant is associated with the following publications: (PMID: 28714951, 22495306, 28407358, 28191890, 25363768, 34011629, 31785789)